The following is an entry in ClinVar:

ClinVar aggregate classification (germline): Uncertain significance (1 of 4 stars; one submission).

Allele frequency attached by ClinVar (database versions not stated): gnomAD exomes below 0.00001 and 0.00001; ExAC 0.00001.
gnomAD v4.1: 2 of 1,541,456 alleles (0.00013%); highest among the groups gnomAD compares: South Asian, 0.0022%; no homozygotes.

Submission:

Labcorp Genetics (formerly Invitae), Labcorp
Classification: Uncertain significance. Last evaluated: 2021-10-28. Review status: criteria provided, single submitter. Criteria: Invitae Variant Classification Sherloc (09022015). Collection method: clinical testing. Allele origin: germline.
Comment: This sequence change replaces glutamic acid, which is acidic and polar, with lysine, which is basic and polar, at codon 400 of the PLAA protein (p.Glu400Lys). This variant is present in population databases (rs763167708, gnomAD 0.007%). Algorithms developed to predict the effect of missense changes on protein structure and function are either unavailable or do not agree on the potential impact of this missense change (SIFT: "Tolerated"; PolyPhen-2: "Probably Damaging"; Align-GVGD: "Class C0"). This variant has not been reported in the literature in individuals affected with PLAA-related conditions. Algorithms developed to predict the effect of sequence changes on RNA splicing suggest that this variant may disrupt the consensus splice site. In summary, the available evidence is currently insufficient to determine the role of this variant in disease. Therefore, it has been classified as a Variant of Uncertain Significance.

NM_001031689.3(PLAA):c.1198G>A (p.Glu400Lys)

Gene: PLAA (phospholipase A2 activating protein; minus strand). Cytogenetic location: 9p21.2.
Variant type: single nucleotide variant.
Coding change: c.1198G>A on transcript NM_001031689.3 (MANE Select); coding-DNA position 1198, G replaced by A.
Protein change: p.Glu400Lys; replaces glutamic acid 400 with lysine.
Molecular consequence: missense variant.
Genome position (GRCh38, 1-based): chr9:26,919,529, C>T on the plus strand (G>A on the coding strand, the complement: PLAA is on the minus strand). VCF-style: chr9-26919529-C-T. GRCh37 (hg19) VCF-style: chr9-26919527-C-T.
Other names: c.1198G>A, p.Glu400Lys (NM_001321546.2); short protein forms E400K.
Identifiers: ClinVar variation 1364605 (VCV001364605.6), dbSNP rs763167708, ClinGen allele CA5014431.
Genomic context (GRCh38, chr9:26,919,529, plus strand): 5'-ATGGCAATTTATATGATGGTCCACCTTCATTGACATCAATTGAGAAAACATAATCAAATT[C>T]CTAAAGTAGGAATATAAAAAGGAGATACATGCTTATTATCTGTTCACATATATTAATGAC-3'
Protein context (NP_001026859.1, residues 390-410): TSGKVLYEGK[Glu400Lys]FDYVFSIDVN